The following is an entry in ClinVar:

NM_000059.4(BRCA2):c.57C>T (p.Cys19=)

Gene: BRCA2 (BRCA2 DNA repair associated; plus strand). Cytogenetic location: 13q13.1.
Variant type: single nucleotide variant.
Coding change: c.57C>T on transcript NM_000059.4 (MANE Select); coding-DNA position 57, C replaced by T.
Protein change: p.Cys19=; no amino-acid change (cysteine 19 retained).
Molecular consequence: synonymous variant.
Genome position (GRCh38, 1-based): chr13:32,316,517, C>T. VCF-style: chr13-32316517-C-T. GRCh37 (hg19) VCF-style: chr13-32890654-C-T.
Identifiers: ClinVar variation 236884 (VCV000236884.17), dbSNP rs878853592, ClinGen allele CA10583064.

ClinVar aggregate classification (germline): Likely benign. Review status: reviewed by expert panel (3 of 4 stars). 5 submissions from 5 submitters: Likely benign (1). 4 of the submissions do not count toward it. Last evaluated 2017-06-29.

Conditions:
Hereditary breast ovarian cancer syndrome. Also called: Hereditary breast and ovarian cancer; Breast and ovarian cancer; BRCA1- and BRCA2-Associated Hereditary Breast and Ovarian Cancer; Hereditary breast and ovarian cancer syndrome; Hereditary breast and ovarian cancer syndrome (HBOC); Hereditary breast and/or ovarian cancer syndrome. Identifiers: Orphanet 145, MedGen C0677776, MeSH D061325, MONDO:0003582. Disease mechanism: loss of function.
Hereditary cancer-predisposing syndrome. Also called: Tumor predisposition; Hereditary Cancer Syndrome; Hereditary neoplastic syndrome; Neoplastic Syndromes, Hereditary. Identifiers: Orphanet 140162, MedGen C0027672, MeSH D009386, MONDO:0015356.
Breast-ovarian cancer, familial, susceptibility to, 2 (BROVCA2). Also called: BRCA2 Hereditary Breast and Ovarian Cancer. Identifiers: Orphanet 145, MedGen C2675520, MONDO:0012933, OMIM 612555. Disease mechanism: loss of function.

Allele frequency attached by ClinVar (database versions not stated): gnomAD exomes 0.00001.
gnomAD v4.1: 13 of 1,613,722 alleles (0.00081%); highest among the groups gnomAD compares: Non-Finnish European, 0.0011%; no homozygotes.

Submissions (5):

Evidence-based Network for the Interpretation of Germline Mutant Alleles (ENIGMA)
Classification: Likely benign for Breast-ovarian cancer, familial, susceptibility to, 2. Last evaluated: 2017-06-29. Review status: reviewed by expert panel. Criteria: ENIGMA BRCA1/2 Classification Criteria (2017-06-29). Collection method: curation. Allele origin: germline.
Comment: Synonymous substitution variant, with low bioinformatic likelihood to result in a splicing aberration (Splicing prior probability 0.02).

Labcorp Genetics (formerly Invitae), Labcorp
Classification: Likely benign for Hereditary breast ovarian cancer syndrome. Last evaluated: 2024-04-15. Review status: criteria provided, single submitter. Criteria: Invitae Variant Classification Sherloc (09022015). Collection method: clinical testing. Allele origin: germline. Not counted in ClinVar's aggregate classification.

All of Us Research Program, National Institutes of Health
Classification: Likely benign for Breast-ovarian cancer, familial, susceptibility to, 2. Last evaluated: 2023-11-30. Review status: criteria provided, single submitter. Criteria: ACMG Guidelines, 2015. Collection method: clinical testing. Allele origin: germline. Inheritance: Autosomal dominant inheritance. Observed: 1 variant allele, 1 heterozygote. Not counted in ClinVar's aggregate classification.
Comment: This study involves interpretation of variants in research participants for the purpose of population health screening. Participant phenotype was not available at the time of variant classification. Additional details can be found in publication PMID: 35346344, PMCID: PMC8962531

Color Diagnostics, LLC DBA Color Health
Classification: Likely benign for Hereditary cancer-predisposing syndrome. Last evaluated: 2022-02-08. Review status: criteria provided, single submitter. Criteria: ACMG Guidelines, 2015. Collection method: clinical testing. Allele origin: germline. Not counted in ClinVar's aggregate classification.

Ambry Genetics
Classification: Likely benign for Hereditary cancer-predisposing syndrome. Last evaluated: 2021-04-15. Review status: criteria provided, single submitter. Criteria: Ambry Variant Classification Scheme 2023. Collection method: clinical testing. Allele origin: germline. Not counted in ClinVar's aggregate classification.